The following is an entry in ClinVar:

NM_000195.5(HPS1):c.*324T>C

Gene: HPS1 (HPS1 biogenesis of lysosomal organelles complex 3 subunit 1; minus strand). Cytogenetic location: 10q24.2.
Variant type: single nucleotide variant.
Coding change: c.*324T>C on transcript NM_000195.5 (MANE Select); 324 bases downstream of the stop codon, T replaced by C.
Molecular consequence: 3 prime UTR variant.
Genome position (GRCh38, 1-based): chr10:98,417,240, A>G on the plus strand (T>C on the coding strand, the complement: HPS1 is on the minus strand). VCF-style: chr10-98417240-A-G. GRCh37 (hg19) VCF-style: chr10-100176997-A-G.
Other names: c.*324T>C (NM_001311345.2, NM_001322476.2, NM_001322477.2 and 10 more transcripts).
Identifiers: ClinVar variation 298332 (VCV000298332.6), dbSNP rs1061123, ClinGen allele CA10629607.

ClinVar aggregate classification (germline): Benign. Review status: criteria provided, multiple submitters, no conflicts (2 of 4 stars). 2 submissions from 2 submitters: Benign (2). Last evaluated 2018-01-13.

Conditions:
Hermansky-Pudlak syndrome 1 (HPS1). Also called: DELTA STORAGE POOL DISEASE. Identifiers: Orphanet 231500, Orphanet 79430, MedGen C2931875, MONDO:0008748, OMIM 203300.

Allele frequency attached by ClinVar (database versions not stated): gnomAD exomes 0.35661; gnomAD 0.44036; TOPMed 0.45673; 1000 Genomes Project 30x 0.53326; 1000 Genomes Project 0.53894.
gnomAD v4.1: 89,548 of 212,882 alleles (42%); highest among the groups gnomAD compares: African/African-American, 64%; 20,858 homozygotes.

Submissions (2):

Illumina Laboratory Services, Illumina
Classification: Benign for Hermansky-Pudlak syndrome 1. Last evaluated: 2018-01-13. Review status: criteria provided, single submitter. Criteria: ICSL Variant Classification Criteria 13 December 2019. Collection method: clinical testing. Allele origin: germline.
Comment: This variant was observed in the ICSL laboratory as part of a predisposition screen in an ostensibly healthy population. It had not been previously curated by ICSL or reported in the Human Gene Mutation Database (HGMD: prior to June 1st, 2018), and was therefore a candidate for classification through an automated scoring system. Utilizing variant allele frequency, disease prevalence and penetrance estimates, and inheritance mode, an automated score was calculated to assess if this variant is too frequent to cause the disease. Based on the score and internal cut-off values, a variant classified as benign is not then subjected to further curation. The score for this variant resulted in a classification of benign for this disease.

Breakthrough Genomics
Classification: Benign. Review status: criteria provided, single submitter. Criteria: ACMG Guidelines, 2015. Collection method: not provided. Allele origin: germline. Inheritance: Autosomal recessive inheritance. Affected: yes.